The following is an entry in ClinVar:

NM_001349338.3(FOXP1):c.321C>T (p.Ile107=)

Gene: FOXP1 (forkhead box P1; minus strand). Cytogenetic location: 3p13.
Variant type: single nucleotide variant.
Coding change: c.321C>T on transcript NM_001349338.3 (MANE Select); coding-DNA position 321, C replaced by T.
Protein change: p.Ile107=; no amino-acid change (isoleucine 107 retained).
Molecular consequence: synonymous variant. On other transcripts: non-coding transcript variant (2), intron variant (1).
Genome position (GRCh38, 1-based): chr3:71,053,735, G>A on the plus strand (C>T on the coding strand, the complement: FOXP1 is on the minus strand). VCF-style: chr3-71053735-G-A. GRCh37 (hg19) VCF-style: chr3-71102886-G-A.
Other names: c.321C>T, p.Ile107= (NM_001244808.3, NM_001244810.2, NM_001244814.3 and 5 more transcripts); c.21C>T, p.Ile7= (NM_001244813.3, NM_001244815.2, NM_001349337.2 and 4 more transcripts); c.283-6640C>T (NM_001244812.3).
Identifiers: ClinVar variation 1700734 (VCV001700734.7), dbSNP rs747108471, ClinGen allele CA77119196.

ClinVar aggregate classification (germline): Conflicting classifications of pathogenicity. Review status: criteria provided, conflicting classifications (1 of 4 stars). 2 submissions from 2 submitters: Uncertain significance (1); Likely benign (1). Last evaluated 2025-06-04.

Allele frequency attached by ClinVar (database versions not stated): gnomAD exomes below 0.00001; TOPMed below 0.00001; gnomAD 0.00001.
gnomAD v4.1: 5 of 1,613,932 alleles (0.00031%); highest among the groups gnomAD compares: Middle Eastern, 0.016%; no homozygotes.

Submissions (2):

Labcorp Genetics (formerly Invitae), Labcorp
Classification: Likely benign. Last evaluated: 2025-06-04. Review status: criteria provided, single submitter. Criteria: Invitae Variant Classification Sherloc (09022015). Collection method: clinical testing. Allele origin: germline.

GeneDx
Classification: Uncertain significance. Last evaluated: 2022-02-11. Review status: criteria provided, single submitter. Criteria: GeneDx Variant Classification Process June 2021. Collection method: clinical testing. Allele origin: germline. Affected: yes.
Comment: Not observed at significant frequency in large population cohorts (gnomAD); In silico analysis supports that this variant does not alter splicing; Has not been previously published as pathogenic or benign to our knowledge